The following is an entry in ClinVar:

ClinVar aggregate classification (germline): Uncertain significance. Review status: criteria provided, multiple submitters, no conflicts (2 of 4 stars). 2 submissions from 2 submitters: Uncertain significance (2). Last evaluated 2024-08-07.

gnomAD v4.1: 6 of 1,211,314 alleles (0.0005%); highest among the groups gnomAD compares: Non-Finnish European, 0.00034%; no homozygotes.

Submissions (2):

Labcorp Genetics (formerly Invitae), Labcorp
Classification: Uncertain significance. Last evaluated: 2024-08-07. Review status: criteria provided, single submitter. Criteria: Invitae Variant Classification Sherloc (09022015). Collection method: clinical testing. Allele origin: germline.
Comment: This sequence change replaces proline, which is neutral and non-polar, with leucine, which is neutral and non-polar, at codon 10 of the DRP2 protein (p.Pro10Leu). This variant is not present in population databases (gnomAD no frequency). This variant has not been reported in the literature in individuals affected with DRP2-related conditions. Advanced modeling of protein sequence and biophysical properties (such as structural, functional, and spatial information, amino acid conservation, physicochemical variation, residue mobility, and thermodynamic stability) has been performed at Invitae for this missense variant, however the output from this modeling did not meet the statistical confidence thresholds required to predict the impact of this variant on DRP2 protein function. In summary, the available evidence is currently insufficient to determine the role of this variant in disease. Therefore, it has been classified as a Variant of Uncertain Significance.

Ambry Genetics
Classification: Uncertain significance. Last evaluated: 2024-03-25. Review status: criteria provided, single submitter. Criteria: Ambry Variant Classification Scheme 2023. Collection method: clinical testing. Allele origin: germline.

NM_001939.3(DRP2):c.29C>T (p.Pro10Leu)

Gene: DRP2 (dystrophin related protein 2; plus strand). Cytogenetic location: Xq22.1.
Variant type: single nucleotide variant.
Coding change: c.29C>T on transcript NM_001939.3 (MANE Select); coding-DNA position 29, C replaced by T.
Protein change: p.Pro10Leu; replaces proline 10 with leucine.
Molecular consequence: missense variant. On other transcripts: intron variant (1).
Genome position (GRCh38, 1-based): chrX:101,231,676, C>T. VCF-style: chrX-101231676-C-T. GRCh37 (hg19) VCF-style: chrX-100486665-C-T.
Other names: c.29C>T (NM_001939.2); c.-117-4184C>T (NM_001171184.2); short protein forms P10L.
Identifiers: ClinVar variation 3007102 (VCV003007102.4), dbSNP rs909100703, ClinGen allele CA333088440.